The following is an entry in ClinVar:

ClinVar aggregate classification (germline): Uncertain significance (1 of 4 stars; one submission).

Conditions:
NONO-related disorder. Also called: NONO-related condition.

Submission:

PreventionGenetics, part of Exact Sciences
Classification: Uncertain significance for NONO-related condition. Last evaluated: 2025-06-08. Review status: criteria provided, single submitter. Criteria: ACMG Guidelines, 2015. Collection method: clinical testing. Allele origin: germline.
Comment: The NONO c.647C>T variant is predicted to result in the amino acid substitution p.Thr216Ile. To our knowledge, this variant has not been reported in the literature or in a large population database (gnomAD), indicating this variant is rare. At this time, the clinical significance of this variant is uncertain due to the absence of conclusive functional and genetic evidence.

NM_007363.5(NONO):c.647C>T (p.Thr216Ile)

Gene: NONO (non-POU domain containing octamer binding; plus strand). Cytogenetic location: Xq13.1.
Variant type: single nucleotide variant.
Coding change: c.647C>T on transcript NM_007363.5 (MANE Select); coding-DNA position 647, C replaced by T.
Protein change: p.Thr216Ile; replaces threonine 216 with isoleucine.
Molecular consequence: missense variant.
Genome position (GRCh38, 1-based): chrX:71,294,525, C>T. VCF-style: chrX-71294525-C-T. GRCh37 (hg19) VCF-style: chrX-70514375-C-T.
Other names: c.647C>T, p.Thr216Ile (NM_001145408.2, NM_001145409.2); c.380C>T, p.Thr127Ile (NM_001145410.2); short protein forms T127I, T216I.
Identifiers: ClinVar variation 5002236 (VCV005002236.1).